The following is an entry in ClinVar:

ClinVar aggregate classification (germline): Uncertain significance (1 of 4 stars; one submission).

Allele frequency attached by ClinVar (database versions not stated): gnomAD exomes below 0.00001 and 0.00001; ExAC 0.00001.
gnomAD v4.1: 7 of 1,613,808 alleles (0.00043%); highest among the groups gnomAD compares: Non-Finnish European, 0.00059%; no homozygotes.

Submission:

GeneDx
Classification: Uncertain significance. Last evaluated: 2020-05-18. Review status: criteria provided, single submitter. Criteria: GeneDx Variant Classification Process June 2021. Collection method: clinical testing. Allele origin: germline. Affected: yes.
Comment: Has not been previously published as pathogenic or benign to our knowledge; Not observed at a significant frequency in large population cohorts (Lek et al., 2016); In silico analysis, which includes protein predictors and evolutionary conservation, supports a deleterious effect

NM_000719.7(CACNA1C):c.2650A>C (p.Ser884Arg)

Gene: CACNA1C (calcium voltage-gated channel subunit alpha1 C; plus strand). Cytogenetic location: 12p13.33.
Variant type: single nucleotide variant.
Coding change: c.2650A>C on transcript NM_000719.7 (MANE Select); coding-DNA position 2650, A replaced by C.
Protein change: p.Ser884Arg; replaces serine 884 with arginine.
Molecular consequence: missense variant.
Genome position (GRCh38, 1-based): chr12:2,593,332, A>C. VCF-style: chr12-2593332-A-C. GRCh37 (hg19) VCF-style: chr12-2702498-A-C.
Other names: c.2650A>C, p.Ser884Arg (NM_001129827.2, NM_001129829.2, NM_001129830.3 and 18 more transcripts); c.2641A>C, p.Ser881Arg (NM_001129844.2); short protein forms S881R, S884R.
Identifiers: ClinVar variation 1304012 (VCV001304012.2), dbSNP rs777391300, ClinGen allele CA6389018.
Genomic context (GRCh38, chr12:2,593,332, plus strand): 5'-GAGCTTCACCTTAAGGAAAAGGCAGTGCCCATGCCAGAAGCCAGCGCGTTTTTCATCTTC[A>C]GCTCTAACAACAGGTGTGCAGCAATGGTGGGGAAGGTGGGGTCCTGCTCTCTCTAGTACC-3'
Protein context (NP_000710.5, residues 874-894): MPEASAFFIF[Ser884Arg]SNNRFRLQCH